The following is an entry in ClinVar:

NM_000117.3(EMD):c.457C>T (p.Pro153Ser)

Gene: EMD (emerin; plus strand). Cytogenetic location: Xq28.
Variant type: single nucleotide variant.
Coding change: c.457C>T on transcript NM_000117.3 (MANE Select); coding-DNA position 457, C replaced by T.
Protein change: p.Pro153Ser; replaces proline 153 with serine.
Molecular consequence: missense variant.
Genome position (GRCh38, 1-based): chrX:154,380,889, C>T. VCF-style: chrX-154380889-C-T. GRCh37 (hg19) VCF-style: chrX-153609249-C-T.
Other names: short protein forms P153S.
Identifiers: ClinVar variation 2785756 (VCV002785756.3), dbSNP rs1044928339, ClinGen allele CA337290085.

ClinVar aggregate classification (germline): Uncertain significance (1 of 4 stars; one submission).

Conditions:
X-linked Emery-Dreifuss muscular dystrophy. Also called: Muscular dystrophy, tardive Emery-Dreifuss type, with contractures. Identifiers: Orphanet 261, Orphanet 98863, MedGen C0751337, MONDO:0010680.

Allele frequency attached by ClinVar (database versions not stated): gnomAD exomes below 0.00001.

Submission:

Labcorp Genetics (formerly Invitae), Labcorp
Classification: Uncertain significance for X-linked Emery-Dreifuss muscular dystrophy. Last evaluated: 2023-10-04. Review status: criteria provided, single submitter. Criteria: Invitae Variant Classification Sherloc (09022015). Collection method: clinical testing. Allele origin: germline.
Comment: This sequence change replaces proline, which is neutral and non-polar, with serine, which is neutral and polar, at codon 153 of the EMD protein (p.Pro153Ser). This variant is not present in population databases (gnomAD no frequency). This variant has not been reported in the literature in individuals affected with EMD-related conditions. Advanced modeling of protein sequence and biophysical properties (such as structural, functional, and spatial information, amino acid conservation, physicochemical variation, residue mobility, and thermodynamic stability) performed at Invitae indicates that this missense variant is not expected to disrupt EMD protein function. In summary, the available evidence is currently insufficient to determine the role of this variant in disease. Therefore, it has been classified as a Variant of Uncertain Significance.